The following is an entry in ClinVar:

NM_002334.4(LRP4):c.2081G>A (p.Arg694His)

Gene: LRP4 (LDL receptor related protein 4; minus strand). Cytogenetic location: 11p11.2.
Variant type: single nucleotide variant.
Coding change: c.2081G>A on transcript NM_002334.4 (MANE Select); coding-DNA position 2081, G replaced by A.
Protein change: p.Arg694His; replaces arginine 694 with histidine.
Molecular consequence: missense variant.
Genome position (GRCh38, 1-based): chr11:46,889,955, C>T on the plus strand (G>A on the coding strand, the complement: LRP4 is on the minus strand). VCF-style: chr11-46889955-C-T. GRCh37 (hg19) VCF-style: chr11-46911506-C-T.
Other names: short protein forms R694H.
Identifiers: ClinVar variation 944725 (VCV000944725.1), dbSNP rs1406466481, ClinGen allele CA380281621.

ClinVar aggregate classification (germline): Uncertain significance (1 of 4 stars; one submission).

Conditions:
Congenital myasthenic syndrome 17. Identifiers: Orphanet 590, MedGen C4225377, MONDO:0014578, OMIM 616304.
Sclerosteosis 2 (SOST2). Identifiers: Orphanet 3152, MedGen C3280402, MONDO:0013679, OMIM 614305.
Cenani-Lenz syndactyly syndrome. Also called: CENANI SYNDACTYLISM; SYNDACTYLY, TYPE VII. Identifiers: Orphanet 3258, MedGen C1859309, MONDO:0008931, OMIM 212780.

Allele frequency attached by ClinVar (database versions not stated): gnomAD exomes below 0.00001.
gnomAD v4.1: 5 of 1,614,114 alleles (0.00031%); highest among the groups gnomAD compares: African/African-American, 0.0013%; no homozygotes.

Submission:

Labcorp Genetics (formerly Invitae), Labcorp
Classification: Uncertain significance for Cenani-Lenz syndactyly syndrome; Sclerosteosis 2; Myasthenic syndrome, congenital, 17. Last evaluated: 2019-08-01. Review status: criteria provided, single submitter. Criteria: Invitae Variant Classification Sherloc (09022015). Collection method: clinical testing. Allele origin: germline.
Comment: This sequence change replaces arginine with histidine at codon 694 of the LRP4 protein (p.Arg694His). The arginine residue is highly conserved and there is a small physicochemical difference between arginine and histidine. This variant is not present in population databases (ExAC no frequency). This variant has not been reported in the literature in individuals with LRP4-related conditions. Algorithms developed to predict the effect of missense changes on protein structure and function (SIFT, PolyPhen-2, Align-GVGD) all suggest that this variant is likely to be disruptive, but these predictions have not been confirmed by published functional studies and their clinical significance is uncertain. In summary, the available evidence is currently insufficient to determine the role of this variant in disease. Therefore, it has been classified as a Variant of Uncertain Significance.